The following is an entry in ClinVar:

ClinVar aggregate classification (germline): Uncertain significance (1 of 4 stars; one submission).

Submission:

Labcorp Genetics (formerly Invitae), Labcorp
Classification: Uncertain significance. Last evaluated: 2022-05-13. Review status: criteria provided, single submitter. Criteria: Invitae Variant Classification Sherloc (09022015). Collection method: clinical testing. Allele origin: germline.
Comment: In summary, the available evidence is currently insufficient to determine the role of this variant in disease. Therefore, it has been classified as a Variant of Uncertain Significance. Algorithms developed to predict the effect of missense changes on protein structure and function are either unavailable or do not agree on the potential impact of this missense change (SIFT: "Deleterious"; PolyPhen-2: "Probably Damaging"; Align-GVGD: "Class C0"). This variant has not been reported in the literature in individuals affected with NLRP1-related conditions. This variant is not present in population databases (gnomAD no frequency). This sequence change replaces isoleucine, which is neutral and non-polar, with asparagine, which is neutral and polar, at codon 1222 of the NLRP1 protein (p.Ile1222Asn).

NM_033004.4(NLRP1):c.3665T>A (p.Ile1222Asn)

Gene: NLRP1 (NLR family pyrin domain containing 1; minus strand). Cytogenetic location: 17p13.2.
Variant type: single nucleotide variant.
Coding change: c.3665T>A on transcript NM_033004.4 (MANE Select); coding-DNA position 3665, T replaced by A.
Protein change: p.Ile1222Asn; replaces isoleucine 1222 with asparagine.
Molecular consequence: missense variant.
Genome position (GRCh38, 1-based): chr17:5,521,642, A>T on the plus strand (T>A on the coding strand, the complement: NLRP1 is on the minus strand). VCF-style: chr17-5521642-A-T. GRCh37 (hg19) VCF-style: chr17-5424962-A-T.
Other names: c.3677T>A, p.Ile1226Asn (NM_001033053.3); c.3665T>A, p.Ile1222Asn (NM_014922.5); c.3575T>A, p.Ile1192Asn (NM_033006.4, NM_033007.4); short protein forms I1226N, I1192N, I1222N.
Identifiers: ClinVar variation 2123925 (VCV002123925.4), dbSNP rs2507732483, ClinGen allele CA397389196.